The following is an entry in ClinVar:

ClinVar aggregate classification (germline): Uncertain significance (1 of 4 stars; one submission).

gnomAD v4.1: 8 of 1,611,984 alleles (0.0005%); highest among the groups gnomAD compares: African/African-American, 0.0094%; no homozygotes.

Submission:

GeneDx
Classification: Uncertain significance. Last evaluated: 2023-05-11. Review status: criteria provided, single submitter. Criteria: GeneDx Variant Classification Process June 2021. Collection method: clinical testing. Allele origin: germline. Affected: yes.
Comment: In silico analysis supports that this missense variant does not alter protein structure/function; Has not been previously published as pathogenic or benign to our knowledge

NM_144508.5(KNL1):c.6398C>A (p.Thr2133Asn)

Gene: KNL1 (kinetochore scaffold 1; plus strand). Cytogenetic location: 15q15.1.
Variant type: single nucleotide variant.
Coding change: c.6398C>A on transcript NM_144508.5 (MANE Select); coding-DNA position 6398, C replaced by A.
Protein change: p.Thr2133Asn; replaces threonine 2133 with asparagine.
Molecular consequence: missense variant.
Genome position (GRCh38, 1-based): chr15:40,652,088, C>A. VCF-style: chr15-40652088-C-A. GRCh37 (hg19) VCF-style: chr15-40944286-C-A.
Other names: c.6476C>A, p.Thr2159Asn (NM_170589.5); short protein forms T2133N, T2159N.
Identifiers: ClinVar variation 3343341 (VCV003343341.1).